The following is an entry in ClinVar:

ClinVar aggregate classification (germline): Uncertain significance (1 of 4 stars; one submission).

Allele frequency attached by ClinVar (database versions not stated): gnomAD exomes below 0.00001.
gnomAD v4.1: 3 of 1,614,084 alleles (0.00019%); highest among the groups gnomAD compares: Non-Finnish European, 0.00025%; no homozygotes.

Submission:

Labcorp Genetics (formerly Invitae), Labcorp
Classification: Uncertain significance. Last evaluated: 2022-04-30. Review status: criteria provided, single submitter. Criteria: Invitae Variant Classification Sherloc (09022015). Collection method: clinical testing. Allele origin: germline.
Comment: This variant is not present in population databases (gnomAD no frequency). This sequence change falls in intron 3 of the TK2 gene. It does not directly change the encoded amino acid sequence of the TK2 protein. It affects a nucleotide within the consensus splice site. This variant has not been reported in the literature in individuals affected with TK2-related conditions. In summary, the available evidence is currently insufficient to determine the role of this variant in disease. Therefore, it has been classified as a Variant of Uncertain Significance. Variants that disrupt the consensus splice site are a relatively common cause of aberrant splicing (PMID: 17576681, 9536098). Algorithms developed to predict the effect of sequence changes on RNA splicing suggest that this variant is not likely to affect RNA splicing.

Literature cited by the submitters: PubMed 17576681; PubMed 9536098.

NM_004614.5(TK2):c.231+4C>T

Gene: TK2 (thymidine kinase 2; minus strand). Cytogenetic location: 16q21.
Variant type: single nucleotide variant.
Coding change: c.231+4C>T on transcript NM_004614.5 (MANE Select); 4 bases into the intron after coding-DNA position 231, C replaced by T.
Molecular consequence: intron variant.
Genome position (GRCh38, 1-based): chr16:66,541,875, G>A on the plus strand (C>T on the coding strand, the complement: TK2 is on the minus strand). VCF-style: chr16-66541875-G-A. GRCh37 (hg19) VCF-style: chr16-66575778-G-A.
Other names: c.138+4C>T (NM_001271935.1, NM_001172643.1); c.157-4858C>T (NM_001172644.2); c.231+4C>T (NM_001172645.2); c.84+4C>T (NM_001271934.2); c.-61+4C>T (NM_001272050.2).
Identifiers: ClinVar variation 2132081 (VCV002132081.4), dbSNP rs2507183729, ClinGen allele CA2580091754.